The following is an entry in ClinVar:

ClinVar aggregate classification (germline): Uncertain significance. Review status: criteria provided, multiple submitters, no conflicts (2 of 4 stars). 2 submissions from 2 submitters: Uncertain significance (2). Last evaluated 2025-12-23.

Conditions:
Fanconi anemia complementation group F. Also called: FANCF-Related Fanconi Anemia. Identifiers: Orphanet 84, MedGen C3469526, MONDO:0011325, OMIM 603467.
Fanconi anemia (FA). Also called: Fanconi's anemia. Identifiers: Orphanet 84, MedGen C0015625, MeSH D005199, MONDO:0019391.

Allele frequency attached by ClinVar (database versions not stated): gnomAD exomes 0.00001; gnomAD 0.00002; TOPMed 0.00002.
gnomAD v4.1: 23 of 1,614,056 alleles (0.0014%); highest among the groups gnomAD compares: Non-Finnish European, 0.00017%; no homozygotes.

Submissions (2):

Labcorp Genetics (formerly Invitae), Labcorp
Classification: Uncertain significance for Fanconi anemia. Last evaluated: 2025-12-23. Review status: criteria provided, single submitter. Criteria: Invitae Variant Classification Sherloc (09022015). Collection method: clinical testing. Allele origin: germline.
Comment: This sequence change replaces threonine, which is neutral and polar, with alanine, which is neutral and non-polar, at codon 20 of the FANCF protein (p.Thr20Ala). This variant is present in population databases (no rsID available, gnomAD 0.03%). This variant has not been reported in the literature in individuals affected with FANCF-related conditions. ClinVar contains an entry for this variant (Variation ID: 933961). Invitae Evidence Modeling of protein sequence and biophysical properties (such as structural, functional, and spatial information, amino acid conservation, physicochemical variation, residue mobility, and thermodynamic stability) indicates that this missense variant is expected to disrupt FANCF protein function with a positive predictive value of 80%. In summary, the available evidence is currently insufficient to determine the role of this variant in disease. Therefore, it has been classified as a Variant of Uncertain Significance.

Fulgent Genetics
Classification: Uncertain significance for Fanconi anemia complementation group F. Last evaluated: 2021-09-17. Review status: criteria provided, single submitter. Criteria: ACMG Guidelines, 2015. Collection method: clinical testing. Allele origin: unknown.

NM_022725.4(FANCF):c.58A>G (p.Thr20Ala)

Gene: FANCF (FA complementation group F; minus strand). Cytogenetic location: 11p14.3.
Variant type: single nucleotide variant.
Coding change: c.58A>G on transcript NM_022725.4 (MANE Select); coding-DNA position 58, A replaced by G.
Protein change: p.Thr20Ala; replaces threonine 20 with alanine.
Molecular consequence: missense variant.
Genome position (GRCh38, 1-based): chr11:22,625,753, T>C on the plus strand (A>G on the coding strand, the complement: FANCF is on the minus strand). VCF-style: chr11-22625753-T-C. GRCh37 (hg19) VCF-style: chr11-22647299-T-C.
Other names: short protein forms T20A.
Identifiers: ClinVar variation 933961 (VCV000933961.11), dbSNP rs1328802237, ClinGen allele CA380059860.